The following is an entry in ClinVar:

ClinVar aggregate classification (germline): Uncertain significance (1 of 4 stars; one submission).

Conditions:
Long QT syndrome (LQTS). Identifiers: MedGen C0023976, MeSH D008133, MONDO:0002442. Disease mechanism: loss of function. Inheritance: Various modes of inheritance.

Submission:

Labcorp Genetics (formerly Invitae), Labcorp
Classification: Uncertain significance for Long QT syndrome. Last evaluated: 2025-09-14. Review status: criteria provided, single submitter. Criteria: Invitae Variant Classification Sherloc (09022015). Collection method: clinical testing. Allele origin: germline.
Comment: This sequence change replaces threonine, which is neutral and polar, with isoleucine, which is neutral and non-polar, at codon 1110 of the CACNA1C protein (p.Thr1110Ile). This variant is not present in population databases (gnomAD no frequency). This variant has not been reported in the literature in individuals affected with CACNA1C-related conditions. Invitae Evidence Modeling of protein sequence and biophysical properties (such as structural, functional, and spatial information, amino acid conservation, physicochemical variation, residue mobility, and thermodynamic stability) indicates that this missense variant is expected to disrupt CACNA1C protein function with a positive predictive value of 95%. In summary, the available evidence is currently insufficient to determine the role of this variant in disease. Therefore, it has been classified as a Variant of Uncertain Significance.

NM_000719.7(CACNA1C):c.3329C>T (p.Thr1110Ile)

Gene: CACNA1C (calcium voltage-gated channel subunit alpha1 C; plus strand). Cytogenetic location: 12p13.33.
Variant type: single nucleotide variant.
Coding change: c.3329C>T on transcript NM_000719.7 (MANE Select); coding-DNA position 3329, C replaced by T.
Protein change: p.Thr1110Ile; replaces threonine 1110 with isoleucine.
Molecular consequence: missense variant.
Genome position (GRCh38, 1-based): chr12:2,607,103, C>T. VCF-style: chr12-2607103-C-T. GRCh37 (hg19) VCF-style: chr12-2716269-C-T.
Other names: c.3389C>T, p.Thr1130Ile (NM_001129827.2, NM_001129832.2, NM_199460.4); c.3329C>T, p.Thr1110Ile (NM_001129829.2, NM_001129830.3, NM_001129831.2 and 15 more transcripts); c.3320C>T, p.Thr1107Ile (NM_001129844.2); short protein forms T1130I, T1107I, T1110I.
Identifiers: ClinVar variation 4723278 (VCV004723278.1).